The following is an entry in ClinVar:

ClinVar aggregate classification (germline): Uncertain significance (1 of 4 stars; one submission).

Conditions:
Inborn genetic diseases. Identifiers: MedGen C0950123, MeSH D030342.

Allele frequency attached by ClinVar (database versions not stated): gnomAD exomes 0.00001.
gnomAD v4.1: 14 of 1,576,656 alleles (0.00089%); highest among the groups gnomAD compares: Non-Finnish European, 0.0011%; no homozygotes.

Submission:

Ambry Genetics
Classification: Uncertain significance for Inborn genetic diseases. Last evaluated: 2021-05-03. Review status: criteria provided, single submitter. Criteria: Ambry Variant Classification Scheme 2023. Collection method: clinical testing. Allele origin: germline.
Comment: The c.814-5A>G intronic alteration consists of a A to G substitution 5 nucleotides before coding exon <NA> in the NT5C2 gene. Based on insufficient or conflicting evidence, the clinical significance of this alteration remains unclear.

NM_001351169.2(NT5C2):c.814-5A>G

Gene: NT5C2 (5'-nucleotidase, cytosolic II; minus strand). Cytogenetic location: 10q24.32.
Variant type: single nucleotide variant.
Coding change: c.814-5A>G on transcript NM_001351169.2 (MANE Select); 5 bases into the intron before coding-DNA position 814, A replaced by G.
Molecular consequence: intron variant.
Genome position (GRCh38, 1-based): chr10:103,094,460, T>C on the plus strand (A>G on the coding strand, the complement: NT5C2 is on the minus strand). VCF-style: chr10-103094460-T-C. GRCh37 (hg19) VCF-style: chr10-104854217-T-C.
Other names: c.727-5A>G (NM_001351174.1); c.241-5A>G (NM_001351191.1, NM_001351192.1, NM_001351193.1 and 16 more transcripts); c.100-5A>G (NM_001351194.2, NM_001351195.2, NM_001351196.2); c.814-5A>G (NM_001134373.3, NM_012229.5); c.838-5A>G (NM_001351170.2, NM_001351171.2, NM_001351172.2 and 1 more transcripts); c.721-5A>G (NM_001351175.2).
Identifiers: ClinVar variation 2230637 (VCV002230637.2), dbSNP rs1408600171, ClinGen allele CA595646429.